The following is an entry in ClinVar:

ClinVar aggregate classification (germline): Uncertain significance (1 of 4 stars; one submission).

Conditions:
Inborn genetic diseases. Identifiers: MedGen C0950123, MeSH D030342.

Submission:

Ambry Genetics
Classification: Uncertain significance for Inborn genetic diseases. Last evaluated: 2025-06-07. Review status: criteria provided, single submitter. Criteria: Ambry Variant Classification Scheme 2023. Collection method: clinical testing. Allele origin: germline.
Comment: The p.L412H variant (also known as c.1235T>A), located in coding exon 7 of the FANCM gene, results from a T to A substitution at nucleotide position 1235. The leucine at codon 412 is replaced by histidine, an amino acid with similar properties. This amino acid position is conserved. In addition, the in silico prediction for this alteration is inconclusive. Based on the available evidence, the clinical significance of this variant remains unclear.

NM_020937.4(FANCM):c.1235T>A (p.Leu412His)

Gene: FANCM (FA complementation group M; plus strand). Cytogenetic location: 14q21.2.
Variant type: single nucleotide variant.
Coding change: c.1235T>A on transcript NM_020937.4 (MANE Select); coding-DNA position 1235, T replaced by A.
Protein change: p.Leu412His; replaces leucine 412 with histidine.
Molecular consequence: missense variant.
Genome position (GRCh38, 1-based): chr14:45,154,748, T>A. VCF-style: chr14-45154748-T-A. GRCh37 (hg19) VCF-style: chr14-45623951-T-A.
Other names: c.1157T>A, p.Leu386His (NM_001308133.2); c.1235T>A, p.Leu412His (NM_001308134.2); short protein forms L412H, L386H.
Identifiers: ClinVar variation 4022862 (VCV004022862.1).